The following is an entry in ClinVar:

ClinVar aggregate classification (germline): Uncertain significance (1 of 4 stars; one submission).

Allele frequency attached by ClinVar (database versions not stated): TOPMed 0.00001; ExAC 0.00002; gnomAD 0.00001; gnomAD exomes 0.00001.
gnomAD v4.1: 15 of 1,612,648 alleles (0.00093%); highest among the groups gnomAD compares: East Asian, 0.0022%; no homozygotes.

Submission:

Labcorp Genetics (formerly Invitae), Labcorp
Classification: Uncertain significance. Last evaluated: 2024-09-14. Review status: criteria provided, single submitter. Criteria: Invitae Variant Classification Sherloc (09022015). Collection method: clinical testing. Allele origin: germline.
Comment: This sequence change replaces arginine, which is basic and polar, with cysteine, which is neutral and slightly polar, at codon 849 of the RNF31 protein (p.Arg849Cys). This variant is present in population databases (rs777889587, gnomAD 0.005%). This variant has not been reported in the literature in individuals affected with RNF31-related conditions. ClinVar contains an entry for this variant (Variation ID: 2047378). An algorithm developed to predict the effect of missense changes on protein structure and function (PolyPhen-2) suggests that this variant is likely to be disruptive. In summary, the available evidence is currently insufficient to determine the role of this variant in disease. Therefore, it has been classified as a Variant of Uncertain Significance.

NM_017999.5(RNF31):c.2545C>T (p.Arg849Cys)

Gene: RNF31 (ring finger protein 31; plus strand). Cytogenetic location: 14q12.
Variant type: single nucleotide variant.
Coding change: c.2545C>T on transcript NM_017999.5 (MANE Select); coding-DNA position 2545, C replaced by T.
Protein change: p.Arg849Cys; replaces arginine 849 with cysteine.
Molecular consequence: missense variant.
Genome position (GRCh38, 1-based): chr14:24,157,341, C>T. VCF-style: chr14-24157341-C-T. GRCh37 (hg19) VCF-style: chr14-24626550-C-T.
Other names: c.2092C>T, p.Arg698Cys (NM_001310332.2); short protein forms R698C, R849C.
Identifiers: ClinVar variation 2047378 (VCV002047378.4), dbSNP rs777889587, ClinGen allele CA7126093.
Genomic context (GRCh38, chr14:24,157,341, plus strand): 5'-CTCTGGCAGTGGGAGGAGCAGCACCGAGGTCGGAGCTGTGAGGACTTCCAGAACTGGAAA[C>T]GCATGAACGACCCAGAATACCAGGCCCAGGGCCTAGCAATGTATCTTCAGGAAAACGGCA-3'
Protein context (NP_060469.4, residues 839-859): RSCEDFQNWK[Arg849Cys]MNDPEYQAQG